The following is an entry in ClinVar:

ClinVar aggregate classification (germline): Uncertain significance. Review status: criteria provided, multiple submitters, no conflicts (2 of 4 stars). 3 submissions from 3 submitters: Uncertain significance (3). Last evaluated 2026-01-05.

gnomAD v4.1: 5 of 1,605,176 alleles (0.00031%); highest among the groups gnomAD compares: Admixed American, 0.0084%; no homozygotes.

Submissions (3):

Labcorp Genetics (formerly Invitae), Labcorp
Classification: Uncertain significance. Last evaluated: 2026-01-05. Review status: criteria provided, single submitter. Criteria: Invitae Variant Classification Sherloc (09022015). Collection method: clinical testing. Allele origin: germline.
Comment: This sequence change replaces leucine, which is neutral and non-polar, with valine, which is neutral and non-polar, at codon 267 of the SPPL2A protein (p.Leu267Val). This variant is present in population databases (no rsID available, gnomAD 0.003%). This variant has not been reported in the literature in individuals affected with SPPL2A-related conditions. ClinVar contains an entry for this variant (Variation ID: 1325524). An algorithm developed to predict the effect of missense changes on protein structure and function (PolyPhen-2) suggests that this variant is likely to be tolerated. In summary, the available evidence is currently insufficient to determine the role of this variant in disease. Therefore, it has been classified as a Variant of Uncertain Significance.

Ambry Genetics
Classification: Uncertain significance. Last evaluated: 2025-06-16. Review status: criteria provided, single submitter. Criteria: Ambry Variant Classification Scheme 2023. Collection method: clinical testing. Allele origin: germline.

New York Genome Center
Classification: Uncertain significance. Last evaluated: 2020-04-26. Review status: criteria provided, single submitter. Criteria: NYGC Assertion Criteria 2020. Collection method: clinical testing. Allele origin: germline. Observed: 1 heterozygote. Study: CSER-NYCKidSeq.

NM_032802.4(SPPL2A):c.799C>G (p.Leu267Val)

Gene: SPPL2A (signal peptide peptidase like 2A; minus strand). Cytogenetic location: 15q21.2.
Variant type: single nucleotide variant.
Coding change: c.799C>G on transcript NM_032802.4 (MANE Select); coding-DNA position 799, C replaced by G.
Protein change: p.Leu267Val; replaces leucine 267 with valine.
Molecular consequence: missense variant.
Genome position (GRCh38, 1-based): chr15:50,736,675, G>C on the plus strand (C>G on the coding strand, the complement: SPPL2A is on the minus strand). VCF-style: chr15-50736675-G-C. GRCh37 (hg19) VCF-style: chr15-51028872-G-C.
Other names: short protein forms L267V.
Identifiers: ClinVar variation 1325524 (VCV001325524.7), dbSNP rs769698329, ClinGen allele CA392412012.